The following is an entry in ClinVar:

NM_001377229.1(DISP1):c.3245C>T (p.Ala1082Val)

Gene: DISP1 (dispatched RND transporter family member 1; plus strand). Cytogenetic location: 1q41.
Variant type: single nucleotide variant.
Coding change: c.3245C>T on transcript NM_001377229.1 (MANE Select); coding-DNA position 3245, C replaced by T.
Protein change: p.Ala1082Val; replaces alanine 1082 with valine.
Molecular consequence: missense variant.
Genome position (GRCh38, 1-based): chr1:223,004,642, C>T. VCF-style: chr1-223004642-C-T. GRCh37 (hg19) VCF-style: chr1-223177984-C-T.
Other names: c.2516C>T, p.Ala839Val (NM_001350630.2); c.3245C>T, p.Ala1082Val (NM_001369594.1, NM_001377228.1, NM_032890.5); short protein forms A839V, A1082V.
Identifiers: ClinVar variation 3670404 (VCV003670404.2).
Genomic context (GRCh38, chr1:223,004,642, plus strand): 5'-TGGCTCCAGATCCCGACCGAGAAGGCAAAGTGATCTTCTCTCTGAGTCGCGTGGGCTCTG[C>T]GATGGCCATGGCTGCCCTGACCACCTTCGTGGCAGGGGCCATGATGATGCCCTCCACAGT-3'
Protein context (NP_001364158.1, residues 1072-1092): VIFSLSRVGS[Ala1082Val]MAMAALTTFV

ClinVar aggregate classification (germline): Uncertain significance (1 of 4 stars; one submission).

gnomAD v4.1: 27 of 1,613,922 alleles (0.0017%); highest among the groups gnomAD compares: Non-Finnish European, 0.0022%; no homozygotes.

Submission:

Labcorp Genetics (formerly Invitae), Labcorp
Classification: Uncertain significance. Last evaluated: 2024-12-26. Review status: criteria provided, single submitter. Criteria: Invitae Variant Classification Sherloc (09022015). Collection method: clinical testing. Allele origin: germline.
Comment: This sequence change replaces alanine, which is neutral and non-polar, with valine, which is neutral and non-polar, at codon 1082 of the DISP1 protein (p.Ala1082Val). This variant is present in population databases (rs765224335, gnomAD 0.004%). This variant has not been reported in the literature in individuals affected with DISP1-related conditions. An algorithm developed to predict the effect of missense changes on protein structure and function (PolyPhen-2) suggests that this variant is likely to be disruptive. In summary, the available evidence is currently insufficient to determine the role of this variant in disease. Therefore, it has been classified as a Variant of Uncertain Significance.